The following is an entry in ClinVar:

ClinVar aggregate classification (germline): Likely pathogenic (1 of 4 stars; one submission).

Conditions:
Fanconi anemia (FA). Also called: Fanconi's anemia. Identifiers: Orphanet 84, MedGen C0015625, MeSH D005199, MONDO:0019391.

Submission:

Labcorp Genetics (formerly Invitae), Labcorp
Classification: Likely pathogenic for Fanconi anemia. Last evaluated: 2022-11-04. Review status: criteria provided, single submitter. Criteria: Invitae Variant Classification Sherloc (09022015). Collection method: clinical testing. Allele origin: unknown.
Comment: In summary, the currently available evidence indicates that the variant is pathogenic, but additional data are needed to prove that conclusively. Therefore, this variant has been classified as Likely Pathogenic. This variant disrupts the p.Arg1055 amino acid residue in FANCA. Other variant(s) that disrupt this residue have been determined to be pathogenic (PMID: 9929978, 10094191, 15523645, 19367192, 24584348). This suggests that this residue is clinically significant, and that variants that disrupt this residue are likely to be disease-causing. This variant has not been reported in the literature in individuals affected with FANCA-related conditions. This variant is a gross deletion of the genomic region encompassing exon(s) 31-32 of the FANCA gene. This variant would be expected to be in-frame, preserving the integrity of the reading frame.

Literature cited by the submitters: PubMed 9929978; PubMed 10094191; PubMed 15523645; PubMed 19367192; PubMed 24584348.

NC_000016.9:g.(?_89816118)_(89818650_?)del

Gene: FANCA (FA complementation group A; minus strand). Cytogenetic location: 16q24.3.
Variant type: Deletion.
Identifiers: ClinVar variation 3243268 (VCV003243268.1).